The following is an entry in ClinVar:

NM_012448.4(STAT5B):c.2161G>A (p.Gly721Ser)

Gene: STAT5B (signal transducer and activator of transcription 5B; minus strand). Cytogenetic location: 17q21.2.
Variant type: single nucleotide variant.
Coding change: c.2161G>A on transcript NM_012448.4 (MANE Select); coding-DNA position 2161, G replaced by A.
Protein change: p.Gly721Ser; replaces glycine 721 with serine.
Molecular consequence: missense variant.
Genome position (GRCh38, 1-based): chr17:42,202,416, C>T on the plus strand (G>A on the coding strand, the complement: STAT5B is on the minus strand). VCF-style: chr17-42202416-C-T. GRCh37 (hg19) VCF-style: chr17-40354434-C-T.
Other names: p.Gly721Ser; short protein forms G721S.
Identifiers: ClinVar variation 572813 (VCV000572813.16), dbSNP rs750095303, ClinGen allele CA8573838.

ClinVar aggregate classification (germline): Uncertain significance. Review status: criteria provided, multiple submitters, no conflicts (2 of 4 stars). 6 submissions from 6 submitters: Uncertain significance (6). Last evaluated 2026-01-24.

Conditions:
Growth hormone insensitivity with immune dysregulation 1, autosomal recessive. Also called: Laron syndrome with immunodeficiency; GROWTH HORMONE INSENSITIVITY SYNDROME WITH IMMUNE DYSREGULATION 1, AUTOSOMAL RECESSIVE; GROWTH HORMONE INSENSITIVITY DUE TO POSTRECEPTOR DEFECT; LARON SYNDROME DUE TO POSTRECEPTOR DEFECT. Identifiers: Orphanet 220465, MedGen C5435698, MONDO:0100211, OMIM 245590.
Growth hormone insensitivity syndrome with immune dysregulation 2, autosomal dominant. Identifiers: MedGen C5436546, MONDO:0100219, OMIM 618985.

Allele frequency attached by ClinVar (database versions not stated): gnomAD 0.00010 and 0.00013; TOPMed 0.00010; gnomAD exomes 0.00006 and 0.00009; ExAC 0.00008.
gnomAD v4.1: 156 of 1,614,216 alleles (0.0097%); highest among the groups gnomAD compares: Middle Eastern, 0.74%; 2 homozygotes.

Submissions (6):

Labcorp Genetics (formerly Invitae), Labcorp
Classification: Uncertain significance for Growth hormone insensitivity with immune dysregulation 1, autosomal recessive. Last evaluated: 2026-01-24. Review status: criteria provided, single submitter. Criteria: Invitae Variant Classification Sherloc (09022015). Collection method: clinical testing. Allele origin: germline.
Comment: This sequence change replaces glycine, which is neutral and non-polar, with serine, which is neutral and polar, at codon 721 of the STAT5B protein (p.Gly721Ser). This variant is present in population databases (rs750095303, gnomAD 0.01%). This variant has not been reported in the literature in individuals affected with STAT5B-related conditions. ClinVar contains an entry for this variant (Variation ID: 572813). An algorithm developed to predict the effect of missense changes on protein structure and function outputs the following: PolyPhen-2: "Benign". The serine amino acid residue is found in multiple mammalian species, which suggests that this missense change does not adversely affect protein function. In summary, the available evidence is currently insufficient to determine the role of this variant in disease. Therefore, it has been classified as a Variant of Uncertain Significance.

Blueprint Genetics
Classification: Uncertain significance. Last evaluated: 2024-10-07. Review status: criteria provided, single submitter. Criteria: ACMG Guidelines, 2015. Collection method: clinical testing. Allele origin: germline.

Mayo Clinic Laboratories, Mayo Clinic
Classification: Uncertain significance. Last evaluated: 2024-05-30. Review status: criteria provided, single submitter. Criteria: ACMG Guidelines, 2015. Collection method: clinical testing. Allele origin: germline. Observed: 1 variant allele.
Comment: BP4, PP2

Women's Health and Genetics/Laboratory Corporation of America, LabCorp
Classification: Uncertain significance. Last evaluated: 2023-12-20. Review status: criteria provided, single submitter. Criteria: LabCorp Variant Classification Summary - May 2015. Collection method: clinical testing. Allele origin: germline.
Comment: Variant summary: STAT5B c.2161G>A (p.Gly721Ser) results in a non-conservative amino acid change in the encoded protein sequence. Four of five in-silico tools predict a benign effect of the variant on protein function. The variant allele was found at a frequency of 6.4e-05 in 251268 control chromosomes. To our knowledge, no occurrence of c.2161G>A in individuals affected with Growth Hormone Insensitivity Syndrome With Immune Dysregulation 2, Autosomal Dominant and no experimental evidence demonstrating its impact on protein function have been reported. Two submitters have cited clinical-significance assessments for this variant to ClinVar after 2014. All submitters classified the variant as uncertain significance. Based on the evidence outlined above, the variant was classified as uncertain significance.

Department of Pathology and Laboratory Medicine, Sinai Health System
Classification: Uncertain significance for Growth hormone insensitivity with immune dysregulation 1, autosomal recessive; Growth hormone insensitivity syndrome with immune dysregulation 2, autosomal dominant. Last evaluated: 2020-05-29. Review status: criteria provided, single submitter. Criteria: ACMG Guidelines, 2015. Collection method: research. Allele origin: germline.

Breakthrough Genomics
Classification: Uncertain significance. Review status: criteria provided, single submitter. Criteria: ACMG Guidelines, 2015. Collection method: not provided. Allele origin: germline. Inheritance: Autosomal recessive inheritance. Affected: yes.